The following is an entry in ClinVar:

ClinVar aggregate classification (germline): Uncertain significance (1 of 4 stars; one submission).

Conditions:
Autosomal recessive limb-girdle muscular dystrophy type 2A (LGMDR1). Also called: Muscular dystrophy, limb-girdle, type 2A, Amish; LEYDEN-MOEBIUS MUSCULAR DYSTROPHY; MUSCULAR DYSTROPHY, PELVOFEMORAL; Limb-girdle muscular dystrophy, type 2A; Calpainopathy. Identifiers: Orphanet 267, MedGen C1869123, MONDO:0009675, OMIM 253600. Disease mechanism: loss of function.

Submission:

Labcorp Genetics (formerly Invitae), Labcorp
Classification: Uncertain significance for Autosomal recessive limb-girdle muscular dystrophy type 2A. Last evaluated: 2025-05-11. Review status: criteria provided, single submitter. Criteria: Invitae Variant Classification Sherloc (09022015). Collection method: clinical testing. Allele origin: germline.
Comment: This sequence change replaces aspartic acid, which is acidic and polar, with glycine, which is neutral and non-polar, at codon 77 of the CAPN3 protein (p.Asp77Gly). This variant is not present in population databases (gnomAD no frequency). This variant has not been reported in the literature in individuals affected with CAPN3-related conditions. Invitae Evidence Modeling of protein sequence and biophysical properties (such as structural, functional, and spatial information, amino acid conservation, physicochemical variation, residue mobility, and thermodynamic stability) indicates that this missense variant is expected to disrupt CAPN3 protein function with a positive predictive value of 80%. In summary, the available evidence is currently insufficient to determine the role of this variant in disease. Therefore, it has been classified as a Variant of Uncertain Significance.

NM_000070.3(CAPN3):c.230A>G (p.Asp77Gly)

Gene: CAPN3 (calpain 3; plus strand). Cytogenetic location: 15q15.1.
Variant type: single nucleotide variant.
Coding change: c.230A>G on transcript NM_000070.3 (MANE Select); coding-DNA position 230, A replaced by G.
Protein change: p.Asp77Gly; replaces aspartic acid 77 with glycine.
Molecular consequence: missense variant.
Genome position (GRCh38, 1-based): chr15:42,360,035, A>G. VCF-style: chr15-42360035-A-G. GRCh37 (hg19) VCF-style: chr15-42652233-A-G.
Other names: c.230A>G, p.Asp77Gly (NM_024344.2, NM_173087.2); short protein forms D77G.
Identifiers: ClinVar variation 4740742 (VCV004740742.1).